The following is an entry in ClinVar:

ClinVar aggregate classification (germline): Uncertain significance (1 of 4 stars; one submission).

Submission:

Labcorp Genetics (formerly Invitae), Labcorp
Classification: Uncertain significance. Last evaluated: 2024-02-24. Review status: criteria provided, single submitter. Criteria: Invitae Variant Classification Sherloc (09022015). Collection method: clinical testing. Allele origin: germline.
Comment: This sequence change replaces glycine, which is neutral and non-polar, with methionine, which is neutral and non-polar, at codon 248 of the NOTCH3 protein (p.Gly248Met). Information on the frequency of this variant in the gnomAD database is not available, as this variant may be reported differently in the database. This variant has not been reported in the literature in individuals affected with NOTCH3-related conditions. ClinVar contains an entry for this variant (Variation ID: 2059036). An algorithm developed to predict the effect of missense changes on protein structure and function (PolyPhen-2) suggests that this variant is likely to be disruptive. In summary, the available evidence is currently insufficient to determine the role of this variant in disease. Therefore, it has been classified as a Variant of Uncertain Significance.

NM_000435.3(NOTCH3):c.742_743delinsAT (p.Gly248Met)

Gene: NOTCH3 (notch receptor 3; minus strand). Cytogenetic location: 19p13.12.
Variant type: Indel.
Coding change: c.742_743delinsAT on transcript NM_000435.3 (MANE Select); coding-DNA positions 742 to 743, GG replaced by AT.
Protein change: p.Gly248Met; replaces glycine 248 with methionine.
Molecular consequence: missense variant.
Genome position (GRCh38, 1-based): chr19:15,191,804-15,191,805, CC replaced by AT on the plus strand (GG replaced by AT on the coding strand, the reverse complement: NOTCH3 is on the minus strand). VCF-style: chr19-15191804-CC-AT. GRCh37 (hg19) VCF-style: chr19-15302615-CC-AT.
Other names: short protein forms G248M.
Identifiers: ClinVar variation 2059036 (VCV002059036.4), dbSNP rs2512665030, ClinGen allele CA2580096673.